The following is an entry in ClinVar:

NM_001378183.1(PIEZO2):c.3088A>G (p.Ile1030Val)

Gene: PIEZO2 (piezo type mechanosensitive ion channel component 2; minus strand). Cytogenetic location: 18p11.22.
Variant type: single nucleotide variant.
Coding change: c.3088A>G on transcript NM_001378183.1 (MANE Select); coding-DNA position 3088, A replaced by G.
Protein change: p.Ile1030Val; replaces isoleucine 1030 with valine.
Molecular consequence: missense variant.
Genome position (GRCh38, 1-based): chr18:10,762,957, T>C on the plus strand (A>G on the coding strand, the complement: PIEZO2 is on the minus strand). VCF-style: chr18-10762957-T-C. GRCh37 (hg19) VCF-style: chr18-10762955-T-C.
Other names: c.3088A>G, p.Ile1030Val (NM_001410871.1); c.3013A>G, p.Ile1005Val (NM_022068.4); short protein forms I1005V, I1030V.
Identifiers: ClinVar variation 3383702 (VCV003383702.1).

ClinVar aggregate classification (germline): Uncertain significance (1 of 4 stars; one submission).

gnomAD v4.1: 6 of 1,537,174 alleles (0.00039%); highest among the groups gnomAD compares: African/African-American, 0.0055%; no homozygotes.

Submission:

GeneDx
Classification: Uncertain significance. Last evaluated: 2024-05-29. Review status: criteria provided, single submitter. Criteria: GeneDx Variant Classification Process June 2021. Collection method: clinical testing. Allele origin: germline. Affected: yes.
Comment: In silico analysis indicates that this missense variant does not alter protein structure/function; Has not been previously published as pathogenic or benign to our knowledge